The following is an entry in ClinVar:

NM_032043.3(BRIP1):c.-9G>C

Gene: BRIP1 (BRCA1 interacting DNA helicase 1; minus strand). Cytogenetic location: 17q23.2.
Variant type: single nucleotide variant.
Coding change: c.-9G>C on transcript NM_032043.3 (MANE Select); 9 bases upstream of the start codon, G replaced by C.
Molecular consequence: 5 prime UTR variant.
Genome position (GRCh38, 1-based): chr17:61,861,548, C>G on the plus strand (G>C on the coding strand, the complement: BRIP1 is on the minus strand). VCF-style: chr17-61861548-C-G. GRCh37 (hg19) VCF-style: chr17-59938909-C-G.
Identifiers: ClinVar variation 2681850 (VCV002681850.1), dbSNP rs2078974062, ClinGen allele CA985273721.

ClinVar aggregate classification (germline): Conflicting classifications of pathogenicity. Review status: criteria provided, conflicting classifications (1 of 4 stars). 2 submissions from 2 submitters: Uncertain significance (1); Likely benign (1). Last evaluated 2023-10-31.

Conditions:
Hereditary cancer-predisposing syndrome. Also called: Neoplastic Syndromes, Hereditary; Hereditary neoplastic syndrome; Tumor predisposition; Hereditary Cancer Syndrome. Identifiers: Orphanet 140162, MedGen C0027672, MeSH D009386, MONDO:0015356.

Allele frequency attached by ClinVar (database versions not stated): gnomAD exomes below 0.00001; gnomAD 0.00001; TOPMed 0.00001.
gnomAD v4.1: 2 of 1,589,936 alleles (0.00013%); highest among the groups gnomAD compares: African/African-American, 0.0027%; no homozygotes.

Submissions (2):

Institute for Biomarker Research, Medical Diagnostic Laboratories, L.L.C.
Classification: Likely benign for Hereditary cancer-predisposing syndrome. Last evaluated: 2023-10-31. Review status: criteria provided, single submitter. Criteria: ACMG Guidelines, 2015. Collection method: clinical testing. Allele origin: germline.

Quest Diagnostics Nichols Institute San Juan Capistrano
Classification: Uncertain significance. Last evaluated: 2023-08-22. Review status: criteria provided, single submitter. Criteria: Quest Diagnostics criteria. Collection method: clinical testing. Allele origin: unknown.
Comment: To the best of our knowledge, this variant has not been reported in individuals with BRIP1-related conditions in the published literature. The frequency of this variant in the general population, 0.0000066 (1/152124 chromosomes (Genome Aggregation Database)), is uninformative in the assessment of its pathogenicity. Analysis of this variant using software algorithms for the prediction of the effect of nucleotide changes on BRIP1 mRNA splicing yielded inconclusive findings . Based on the available information, we are unable to determine the clinical significance of this variant.